The following is an entry in ClinVar:

ClinVar aggregate classification (germline): Uncertain significance. Review status: reviewed by expert panel (3 of 4 stars). 2 submissions from 2 submitters: Uncertain significance (1). 1 of the submissions does not count toward it. Last evaluated 2025-02-25.

Conditions:
Hereditary thrombocytopenia and hematologic cancer predisposition syndrome. Identifiers: Orphanet 71290, MedGen CN281654, MONDO:0011071.
Inborn genetic diseases. Identifiers: MedGen C0950123, MeSH D030342.

Submissions (2):

ClinGen Myeloid Malignancy Variant Curation Expert Panel
Classification: Uncertain significance for Hereditary thrombocytopenia and hematologic cancer predisposition syndrome. Last evaluated: 2025-02-25. Review status: reviewed by expert panel. Criteria: ClinGen MyeloMalig ACMG Specifications v2. Collection method: curation. Allele origin: germline. Inheritance: Autosomal dominant inheritance.
Comment: NM_001754.5(RUNX1):c.565T>C (p.Tyr189His) is a missense variant that is completely absent from all population databases with at least 20x coverage for RUNX1 (PM2_Supporting). This variant has a REVEL score ≥ 0.88 (0.965) (PP3) and the variant is within the Runt Homology Domain between the residues (AA 89-204) (PM1_Supporting). In summary, the clinical significance of this variant is uncertain. ACMG/AMP criteria applied, as specified by the Myeloid Malignancy Variant Curation Expert Panel for RUNX1: PM2_Supporting, PP3, and PM1_Supporting.

Ambry Genetics
Classification: Uncertain significance for Inborn genetic diseases. Last evaluated: 2023-10-10. Review status: criteria provided, single submitter. Criteria: Ambry Variant Classification Scheme 2023. Collection method: clinical testing. Allele origin: germline. Not counted in ClinVar's aggregate classification.

NM_001754.5(RUNX1):c.565T>C (p.Tyr189His)

Genes: RUNX1 (RUNX family transcription factor 1; minus strand), RUNX1-AS1 (RUNX1 antisense RNA 1; plus strand). Cytogenetic location: 21q22.12.
Variant type: single nucleotide variant.
Coding change: c.565T>C on transcript NM_001754.5 (MANE Select); coding-DNA position 565, T replaced by C.
Protein change: p.Tyr189His; replaces tyrosine 189 with histidine.
Molecular consequence: missense variant.
Genome position (GRCh38, 1-based): chr21:34,859,522, A>G on the plus strand (T>C on the coding strand, the complement: RUNX1 is on the minus strand). VCF-style: chr21-34859522-A-G. GRCh37 (hg19) VCF-style: chr21-36231819-A-G.
Other names: NM_001754.5(RUNX1):c.565T>C; p.Tyr189His; c.484T>C, p.Tyr162His (NM_001001890.3, NM_001122607.2); short protein forms Y189H, Y162H.
Identifiers: ClinVar variation 3157196 (VCV003157196.2), dbSNP rs2146235634, ClinGen allele CA410208040.